The following is an entry in ClinVar:

NM_001567.4(INPPL1):c.1239C>T (p.Asn413=)

Gene: INPPL1 (inositol polyphosphate phosphatase like 1; plus strand). Cytogenetic location: 11q13.4.
Variant type: single nucleotide variant.
Coding change: c.1239C>T on transcript NM_001567.4 (MANE Select); coding-DNA position 1239, C replaced by T.
Protein change: p.Asn413=; no amino-acid change (asparagine 413 retained).
Molecular consequence: synonymous variant.
Genome position (GRCh38, 1-based): chr11:72,230,837, C>T. VCF-style: chr11-72230837-C-T. GRCh37 (hg19) VCF-style: chr11-71941881-C-T.
Identifiers: ClinVar variation 3355519 (VCV003355519.1).

ClinVar aggregate classification (germline): Likely benign (0 of 4 stars; one submission).

Conditions:
INPPL1-related disorder. Also called: INPPL1-related condition.

Submission:

PreventionGenetics, part of Exact Sciences
Classification: Likely benign for INPPL1-related condition. Last evaluated: 2019-09-17. Review status: no assertion criteria provided. Collection method: clinical testing. Allele origin: germline.
Comment: This variant is classified as likely benign based on ACMG/AMP sequence variant interpretation guidelines (Richards et al. 2015 PMID: 25741868, with internal and published modifications).